The following is an entry in ClinVar:

ClinVar aggregate classification (germline): Uncertain significance. Review status: criteria provided, multiple submitters, no conflicts (2 of 4 stars). 3 submissions from 3 submitters: Uncertain significance (3). Last evaluated 2025-05-15.

Conditions:
AFG2A-related disorder. Also called: AFG2A-related condition.
Microcephaly-intellectual disability-sensorineural hearing loss-epilepsy-abnormal muscle tone syndrome (NEDHSB). Also called: NEURODEVELOPMENTAL DISORDER WITH HEARING LOSS, SEIZURES, AND BRAIN ABNORMALITIES. Identifiers: Orphanet 457351, MedGen C4225276, MONDO:0014698, OMIM 616577.

Allele frequency attached by ClinVar (database versions not stated): gnomAD 0.00003; ExAC 0.00005; gnomAD exomes 0.00005 and 0.00009; TOPMed 0.00005; ESP Exome Variant Server 0.00008.
gnomAD v4.1: 135 of 1,614,110 alleles (0.0084%); highest among the groups gnomAD compares: Middle Eastern, 0.066%; 1 homozygote.

Submissions (3):

PreventionGenetics, part of Exact Sciences
Classification: Uncertain significance for AFG2A-related condition. Last evaluated: 2025-05-15. Review status: criteria provided, single submitter. Criteria: ACMG Guidelines, 2015. Collection method: clinical testing. Allele origin: germline.
Comment: The AFG2A c.778A>G variant is predicted to result in the amino acid substitution p.Ile260Val. To our knowledge, this variant has not been reported in the literature. This variant is reported in 0.025% of alleles in individuals of Latino descent in gnomAD. At this time, the clinical significance of this variant is uncertain due to the absence of conclusive functional and genetic evidence.

Labcorp Genetics (formerly Invitae), Labcorp
Classification: Uncertain significance for Microcephaly-intellectual disability-sensorineural hearing loss-epilepsy-abnormal muscle tone syndrome. Last evaluated: 2024-10-22. Review status: criteria provided, single submitter. Criteria: Invitae Variant Classification Sherloc (09022015). Collection method: clinical testing. Allele origin: germline.
Comment: This sequence change replaces isoleucine, which is neutral and non-polar, with valine, which is neutral and non-polar, at codon 260 of the SPATA5 protein (p.Ile260Val). This variant is present in population databases (rs200105631, gnomAD 0.03%). This variant has not been reported in the literature in individuals affected with SPATA5-related conditions. ClinVar contains an entry for this variant (Variation ID: 575117). Invitae Evidence Modeling of protein sequence and biophysical properties (such as structural, functional, and spatial information, amino acid conservation, physicochemical variation, residue mobility, and thermodynamic stability) indicates that this missense variant is not expected to disrupt SPATA5 protein function with a negative predictive value of 95%. In summary, the available evidence is currently insufficient to determine the role of this variant in disease. Therefore, it has been classified as a Variant of Uncertain Significance.

Baylor Genetics
Classification: Uncertain significance for Microcephaly-intellectual disability-sensorineural hearing loss-epilepsy-abnormal muscle tone syndrome. Last evaluated: 2018-07-31. Review status: criteria provided, single submitter. Criteria: ACMG Guidelines, 2015. Collection method: clinical testing. Allele origin: paternal. Affected: yes.
Comment: This variant was determined to be of uncertain significance according to ACMG Guidelines, 2015 [PMID:25741868].

NM_145207.3(AFG2A):c.778A>G (p.Ile260Val)

Gene: AFG2A (AAA ATPase AFG2A; plus strand). Cytogenetic location: 4q28.1.
Variant type: single nucleotide variant.
Coding change: c.778A>G on transcript NM_145207.3 (MANE Select); coding-DNA position 778, A replaced by G.
Protein change: p.Ile260Val; replaces isoleucine 260 with valine.
Molecular consequence: missense variant.
Genome position (GRCh38, 1-based): chr4:122,934,369, A>G. VCF-style: chr4-122934369-A-G. GRCh37 (hg19) VCF-style: chr4-123855524-A-G.
Other names: c.775A>G, p.Ile259Val (NM_001317799.2, NM_001345856.2); short protein forms I260V, I259V.
Identifiers: ClinVar variation 575117 (VCV000575117.8), dbSNP rs200105631, ClinGen allele CA3070318.
Genomic context (GRCh38, chr4:122,934,369, plus strand): 5'-CTGGAGGATACCCAGATCCCAACATCAAGAAGTACTCCTTATAAACCAATTGATGACAGA[A>G]TTACAAATAAAGCCAGTGATGTTTTGCTGGATGTTACACAGAGCCCTGGAGATGGCAGTG-3'
Protein context (NP_660208.2, residues 250-270): STPYKPIDDR[Ile260Val]TNKASDVLLD